The following is an entry in ClinVar:

NM_144687.4(NLRP12):c.371-14T>G

Gene: NLRP12 (NLR family pyrin domain containing 12; minus strand). Cytogenetic location: 19q13.42.
Variant type: single nucleotide variant.
Coding change: c.371-14T>G on transcript NM_144687.4 (MANE Select); 14 bases into the intron before coding-DNA position 371, T replaced by G.
Molecular consequence: intron variant.
Genome position (GRCh38, 1-based): chr19:53,811,302, A>C on the plus strand (T>G on the coding strand, the complement: NLRP12 is on the minus strand). VCF-style: chr19-53811302-A-C. GRCh37 (hg19) VCF-style: chr19-54314556-A-C.
Other names: c.371-14T>G (NM_001277129.1, NM_001277126.2).
Identifiers: ClinVar variation 2913064 (VCV002913064.3), dbSNP rs2514354771, ClinGen allele CA2576878274.
Genomic context (GRCh38, chr19:53,811,302, plus strand): 5'-GAGCCGGAATTTCCTGCGGACATAGTCCCTGTAGGTTTCCTGGGGATCTAGGGGAGAGGA[A>C]TGAAGGTTTTGTGGAAGACTCATCAGCAGCCTCTAATGAGTTCACGAGGTAAAGCGCTCC-3'

ClinVar aggregate classification (germline): Uncertain significance (1 of 4 stars; one submission).

Conditions:
Familial cold autoinflammatory syndrome 2 (FCAS2). Identifiers: Orphanet 247868, MedGen C2673198, MONDO:0012724, OMIM 611762.

Allele frequency attached by ClinVar (database versions not stated): gnomAD exomes 0.00001.
gnomAD v4.1: 5 of 1,613,468 alleles (0.00031%); highest among the groups gnomAD compares: Non-Finnish European, 0.00042%; no homozygotes.

Submission:

Labcorp Genetics (formerly Invitae), Labcorp
Classification: Uncertain significance for Familial cold autoinflammatory syndrome 2. Last evaluated: 2025-06-19. Review status: criteria provided, single submitter. Criteria: Invitae Variant Classification Sherloc (09022015). Collection method: clinical testing. Allele origin: germline.
Comment: This sequence change falls in intron 2 of the NLRP12 gene. It does not directly change the encoded amino acid sequence of the NLRP12 protein. This variant is not present in population databases (gnomAD no frequency). This variant has not been reported in the literature in individuals affected with NLRP12-related conditions. ClinVar contains an entry for this variant (Variation ID: 2913064). Algorithms developed to predict the effect of sequence changes on RNA splicing suggest that this variant may disrupt the consensus splice site. In summary, the available evidence is currently insufficient to determine the role of this variant in disease. Therefore, it has been classified as a Variant of Uncertain Significance.